The following is an entry in ClinVar:

NM_000124.4(ERCC6):c.2399T>C (p.Ile800Thr)

Gene: ERCC6 (ERCC excision repair 6, chromatin remodeling factor; minus strand). Cytogenetic location: 10q11.23.
Variant type: single nucleotide variant.
Coding change: c.2399T>C on transcript NM_000124.4 (MANE Select); coding-DNA position 2399, T replaced by C.
Protein change: p.Ile800Thr; replaces isoleucine 800 with threonine.
Molecular consequence: missense variant.
Genome position (GRCh38, 1-based): chr10:49,474,226, A>G on the plus strand (T>C on the coding strand, the complement: ERCC6 is on the minus strand). VCF-style: chr10-49474226-A-G. GRCh37 (hg19) VCF-style: chr10-50682272-A-G.
Other names: c.2399T>C, p.Ile800Thr (NM_001346440.2); short protein forms I800T.
Identifiers: ClinVar variation 1303580 (VCV001303580.7), dbSNP rs369864700, ClinGen allele CA5495648.

ClinVar aggregate classification (germline): Uncertain significance. Review status: criteria provided, multiple submitters, no conflicts (2 of 4 stars). 3 submissions from 3 submitters: Uncertain significance (3). Last evaluated 2024-12-09.

Conditions:
Inborn genetic diseases. Identifiers: MedGen C0950123, MeSH D030342.

Allele frequency attached by ClinVar (database versions not stated): ExAC 0.00003; TOPMed 0.00005; ESP Exome Variant Server 0.00008.
gnomAD v4.1: 212 of 1,613,880 alleles (0.013%); highest among the groups gnomAD compares: Non-Finnish European, 0.017%; no homozygotes.

Submissions (3):

Labcorp Genetics (formerly Invitae), Labcorp
Classification: Uncertain significance. Last evaluated: 2024-12-09. Review status: criteria provided, single submitter. Criteria: Invitae Variant Classification Sherloc (09022015). Collection method: clinical testing. Allele origin: germline.
Comment: This sequence change replaces isoleucine, which is neutral and non-polar, with threonine, which is neutral and polar, at codon 800 of the ERCC6 protein (p.Ile800Thr). This variant is present in population databases (rs369864700, gnomAD 0.009%). This variant has not been reported in the literature in individuals affected with ERCC6-related conditions. ClinVar contains an entry for this variant (Variation ID: 1303580). Invitae Evidence Modeling of protein sequence and biophysical properties (such as structural, functional, and spatial information, amino acid conservation, physicochemical variation, residue mobility, and thermodynamic stability) indicates that this missense variant is not expected to disrupt ERCC6 protein function with a negative predictive value of 80%. In summary, the available evidence is currently insufficient to determine the role of this variant in disease. Therefore, it has been classified as a Variant of Uncertain Significance.

Ambry Genetics
Classification: Uncertain significance for Inborn genetic diseases. Last evaluated: 2024-01-16. Review status: criteria provided, single submitter. Criteria: Ambry Variant Classification Scheme 2023. Collection method: clinical testing. Allele origin: germline.

GeneDx
Classification: Uncertain significance. Last evaluated: 2021-12-06. Review status: criteria provided, single submitter. Criteria: GeneDx Variant Classification Process June 2021. Collection method: clinical testing. Allele origin: germline. Affected: yes.
Comment: In silico analysis supports that this missense variant has a deleterious effect on protein structure/function; Has not been previously published as pathogenic or benign to our knowledge